The following is an entry in ClinVar:

NM_001903.5(CTNNA1):c.761G>A (p.Gly254Asp)

Gene: CTNNA1 (catenin alpha 1; plus strand). Cytogenetic location: 5q31.2.
Variant type: single nucleotide variant.
Coding change: c.761G>A on transcript NM_001903.5 (MANE Select); coding-DNA position 761, G replaced by A.
Protein change: p.Gly254Asp; replaces glycine 254 with aspartic acid.
Molecular consequence: missense variant.
Genome position (GRCh38, 1-based): chr5:138,824,702, G>A. VCF-style: chr5-138824702-G-A. GRCh37 (hg19) VCF-style: chr5-138160391-G-A.
Other names: c.761G>A, p.Gly254Asp (NM_001290307.3, NM_001323982.2, NM_001323983.1 and 3 more transcripts); c.452G>A, p.Gly151Asp (NM_001290309.3); c.392G>A, p.Gly131Asp (NM_001290310.3); short protein forms G151D, G131D, G254D.
Identifiers: ClinVar variation 2695121 (VCV002695121.3), dbSNP rs1760462669, ClinGen allele CA361129951.

ClinVar aggregate classification (germline): Uncertain significance (1 of 4 stars; one submission).

Submission:

Labcorp Genetics (formerly Invitae), Labcorp
Classification: Uncertain significance. Last evaluated: 2023-11-11. Review status: criteria provided, single submitter. Criteria: Invitae Variant Classification Sherloc (09022015). Collection method: clinical testing. Allele origin: germline.
Comment: This sequence change replaces glycine, which is neutral and non-polar, with aspartic acid, which is acidic and polar, at codon 254 of the CTNNA1 protein (p.Gly254Asp). This variant is not present in population databases (gnomAD no frequency). This variant has not been reported in the literature in individuals affected with CTNNA1-related conditions. Advanced modeling of protein sequence and biophysical properties (such as structural, functional, and spatial information, amino acid conservation, physicochemical variation, residue mobility, and thermodynamic stability) performed at Invitae indicates that this missense variant is not expected to disrupt CTNNA1 protein function with a negative predictive value of 80%. In summary, the available evidence is currently insufficient to determine the role of this variant in disease. Therefore, it has been classified as a Variant of Uncertain Significance.